The following is an entry in ClinVar:

NM_001258392.3(CLPB):c.1292C>T (p.Pro431Leu)

Genes: CLPB (ClpB family mitochondrial disaggregase; minus strand), LOC126861258 (MED14-independent group 3 enhancer GRCh37_chr11:72012242-72013441; plus strand). Cytogenetic location: 11q13.4.
Variant type: single nucleotide variant.
Coding change: c.1292C>T on transcript NM_001258392.3 (MANE Select); coding-DNA position 1292, C replaced by T.
Protein change: p.Pro431Leu; replaces proline 431 with leucine.
Molecular consequence: missense variant.
Genome position (GRCh38, 1-based): chr11:72,301,840, G>A on the plus strand (C>T on the coding strand, the complement: CLPB is on the minus strand). VCF-style: chr11-72301840-G-A. GRCh37 (hg19) VCF-style: chr11-72012884-G-A.
Other names: c.1205C>T, p.Pro402Leu (NM_001258393.3); c.1247C>T, p.Pro416Leu (NM_001258394.3); c.1382C>T, p.Pro461Leu (NM_030813.6); short protein forms P461L, P431L, P402L, P416L.
Identifiers: ClinVar variation 583353 (VCV000583353.9), dbSNP rs746582120, ClinGen allele CA6171222.

ClinVar aggregate classification (germline): Uncertain significance (1 of 4 stars; one submission).

Conditions:
3-methylglutaconic aciduria, type VIIB (MGCA7B). Also called: CLPB Deficiency; 3-methylglutaconic aciduria, type VII, with cataracts, neurologic involvement and neutropenia; 3-methylglutaconic aciduria with cataracts, neurologic involvement and neutropenia. Identifiers: Orphanet 445038, MedGen C5676893, MONDO:0014561, OMIM 616271.

Allele frequency attached by ClinVar (database versions not stated): ExAC 0.00001; gnomAD exomes 0.00002.

Submission:

Labcorp Genetics (formerly Invitae), Labcorp
Classification: Uncertain significance for 3-methylglutaconic aciduria, type VIIB. Last evaluated: 2023-07-19. Review status: criteria provided, single submitter. Criteria: Invitae Variant Classification Sherloc (09022015). Collection method: clinical testing. Allele origin: germline.
Comment: This variant is present in population databases (rs746582120, gnomAD 0.02%). This sequence change replaces proline, which is neutral and non-polar, with leucine, which is neutral and non-polar, at codon 461 of the CLPB protein (p.Pro461Leu). This variant has not been reported in the literature in individuals affected with CLPB-related conditions. ClinVar contains an entry for this variant (Variation ID: 583353). An algorithm developed to predict the effect of missense changes on protein structure and function (PolyPhen-2) suggests that this variant is likely to be disruptive. In summary, the available evidence is currently insufficient to determine the role of this variant in disease. Therefore, it has been classified as a Variant of Uncertain Significance.